The following is an entry in ClinVar:

ClinVar aggregate classification (germline): Pathogenic (1 of 4 stars; one submission).

Conditions:
Familial cancer of breast. Also called: BREAST CANCER, FAMILIAL; Hereditary breast cancer; hereditary breast carcinoma. Identifiers: Orphanet 227535, MedGen C0346153, MONDO:0016419, OMIM 114480. Disease mechanism: loss of function.

Submission:

Myriad Genetics, Inc.
Classification: Pathogenic for Familial cancer of breast. Last evaluated: 2024-01-18. Review status: criteria provided, single submitter. Criteria: Myriad Autosomal Dominant, Autosomal Recessive and X-Linked Classification Criteria (2023). Collection method: clinical testing. Allele origin: unknown.
Comment: This variant is considered pathogenic. This variant creates a termination codon and is predicted to result in premature protein truncation.

NM_000051.4(ATM):c.2654T>A (p.Leu885Ter)

Gene: ATM (ATM serine/threonine kinase; plus strand). Cytogenetic location: 11q22.3.
Variant type: single nucleotide variant.
Coding change: c.2654T>A on transcript NM_000051.4 (MANE Select); coding-DNA position 2654, T replaced by A.
Protein change: p.Leu885Ter; replaces leucine 885 with a stop codon.
Molecular consequence: nonsense.
Genome position (GRCh38, 1-based): chr11:108,268,425, T>A. VCF-style: chr11-108268425-T-A. GRCh37 (hg19) VCF-style: chr11-108139152-T-A.
Other names: c.2654T>A, p.Leu885Ter (NM_001351834.2); short protein forms L885*.
Identifiers: ClinVar variation 3148348 (VCV003148348.1), dbSNP rs1555083096, ClinGen allele CA382545034.